The following is an entry in ClinVar:

ClinVar aggregate classification (germline): Uncertain significance. Review status: criteria provided, multiple submitters, no conflicts (2 of 4 stars). 2 submissions from 2 submitters: Uncertain significance (2). Last evaluated 2024-07-25.

Conditions:
Bethlem myopathy 1A. Also called: MYOPATHY, BENIGN CONGENITAL, WITH CONTRACTURES; Bethlem Muscular Dystrophy; Bethlem myopathy 1. Identifiers: Orphanet 610, MedGen CN029274, MONDO:0024530, OMIM 158810.

gnomAD v4.1: 10 of 1,599,240 alleles (0.00063%); highest among the groups gnomAD compares: Non-Finnish European, 0.00085%; no homozygotes.

Submissions (2):

GeneDx
Classification: Uncertain significance. Last evaluated: 2024-07-25. Review status: criteria provided, single submitter. Criteria: GeneDx Variant Classification Process June 2021. Collection method: clinical testing. Allele origin: germline. Affected: yes.
Comment: Not observed at significant frequency in large population cohorts (gnomAD); In silico analysis supports that this missense variant has a deleterious effect on protein structure/function; Has not been previously published as pathogenic or benign to our knowledge

Labcorp Genetics (formerly Invitae), Labcorp
Classification: Uncertain significance for Bethlem myopathy 1A. Last evaluated: 2021-12-18. Review status: criteria provided, single submitter. Criteria: Invitae Variant Classification Sherloc (09022015). Collection method: clinical testing. Allele origin: germline.
Comment: Algorithms developed to predict the effect of missense changes on protein structure and function are either unavailable or do not agree on the potential impact of this missense change (SIFT: "Tolerated"; PolyPhen-2: "Not Available"; Align-GVGD: "Class C0"). This sequence change replaces lysine, which is basic and polar, with asparagine, which is neutral and polar, at codon 240 of the COL6A1 protein (p.Lys240Asn). This variant is not present in population databases (gnomAD no frequency). This variant has not been reported in the literature in individuals affected with COL6A1-related conditions. In summary, the available evidence is currently insufficient to determine the role of this variant in disease. Therefore, it has been classified as a Variant of Uncertain Significance.

NM_001848.3(COL6A1):c.720A>T (p.Lys240Asn)

Gene: COL6A1 (collagen type VI alpha 1 chain; plus strand). Cytogenetic location: 21q22.3.
Variant type: single nucleotide variant.
Coding change: c.720A>T on transcript NM_001848.3 (MANE Select); coding-DNA position 720, A replaced by T.
Protein change: p.Lys240Asn; replaces lysine 240 with asparagine.
Molecular consequence: missense variant.
Genome position (GRCh38, 1-based): chr21:45,987,157, A>T. VCF-style: chr21-45987157-A-T. GRCh37 (hg19) VCF-style: chr21-47407071-A-T.
Other names: short protein forms K240N.
Identifiers: ClinVar variation 2047289 (VCV002047289.5), dbSNP rs147612667, ClinGen allele CA410519232.